The following is an entry in ClinVar:

NM_181523.3(PIK3R1):c.897T>A (p.Asn299Lys)

Gene: PIK3R1 (phosphoinositide-3-kinase regulatory subunit 1; plus strand). Cytogenetic location: 5q13.1.
Variant type: single nucleotide variant.
Coding change: c.897T>A on transcript NM_181523.3 (MANE Select); coding-DNA position 897, T replaced by A.
Protein change: p.Asn299Lys; replaces asparagine 299 with lysine.
Molecular consequence: missense variant.
Genome position (GRCh38, 1-based): chr5:68,280,987, T>A. VCF-style: chr5-68280987-T-A. GRCh37 (hg19) VCF-style: chr5-67576815-T-A.
Other names: short protein forms N299K.
Identifiers: ClinVar variation 3758859 (VCV003758859.2).

ClinVar aggregate classification (germline): Uncertain significance (1 of 4 stars; one submission).

Conditions:
Agammaglobulinemia 7, autosomal recessive (AGM7). Also called: AGAMMAGLOBULINEMIA, AUTOSOMAL RECESSIVE, DUE TO PIK3R1 DEFECT. Identifiers: MedGen C3554689, MONDO:0014083, OMIM 615214.
Immunodeficiency 36 with lymphoproliferation. Also called: Immunodeficiency 36; ACTIVATED PI3K-DELTA SYNDROME 2; Activated PI3K Delta Syndrome Type 2 (APDS2). Identifiers: Orphanet 397596, Orphanet 693681, MedGen C4014934, MONDO:0014453, OMIM 616005.
SHORT syndrome. Also called: SHORT STATURE, HYPEREXTENSIBILITY, HERNIA, OCULAR DEPRESSION, RIEGER ANOMALY, AND TEETHING DELAY; LIPODYSTROPHY, PARTIAL, WITH RIEGER ANOMALY AND SHORT STATURE; PIK3R1-Related SHORT Syndrome. Identifiers: Orphanet 3163, MedGen C0878684, MONDO:0010026, OMIM 269880.

Submission:

Labcorp Genetics (formerly Invitae), Labcorp
Classification: Uncertain significance for SHORT syndrome; Immunodeficiency 36 with lymphoproliferation; Agammaglobulinemia 7, autosomal recessive. Last evaluated: 2024-11-05. Review status: criteria provided, single submitter. Criteria: Invitae Variant Classification Sherloc (09022015). Collection method: clinical testing. Allele origin: germline.
Comment: This sequence change replaces asparagine, which is neutral and polar, with lysine, which is basic and polar, at codon 299 of the PIK3R1 protein (p.Asn299Lys). This variant is not present in population databases (gnomAD no frequency). This variant has not been reported in the literature in individuals affected with PIK3R1-related conditions. An algorithm developed to predict the effect of missense changes on protein structure and function (PolyPhen-2) suggests that this variant is likely to be tolerated. In summary, the available evidence is currently insufficient to determine the role of this variant in disease. Therefore, it has been classified as a Variant of Uncertain Significance.